The following is an entry in ClinVar:

ClinVar aggregate classification (germline): Conflicting classifications of pathogenicity. Review status: criteria provided, conflicting classifications (1 of 4 stars). 5 submissions from 5 submitters: Uncertain significance (1); Likely benign (3). 1 of the submissions does not count toward it. Last evaluated 2026-01-29.

Conditions:
MYO7A-related disorder. Also called: MYO7A-related disorders.

Allele frequency attached by ClinVar (database versions not stated): ExAC 0.00010; gnomAD exomes 0.00018; ESP Exome Variant Server 0.00025; TOPMed 0.00025; gnomAD 0.00035; 1000 Genomes Project 0.00040; 1000 Genomes Project 30x 0.00062.
gnomAD v4.1: 170 of 1,589,612 alleles (0.011%); highest among the groups gnomAD compares: Middle Eastern, 0.085%; 1 homozygote.

Submissions (5):

Labcorp Genetics (formerly Invitae), Labcorp
Classification: Likely benign. Last evaluated: 2026-01-29. Review status: criteria provided, single submitter. Criteria: Invitae Variant Classification Sherloc (09022015). Collection method: clinical testing. Allele origin: germline.

Blueprint Genetics
Classification: Likely benign. Last evaluated: 2024-09-19. Review status: criteria provided, single submitter. Criteria: ACMG Guidelines, 2015. Collection method: clinical testing. Allele origin: germline.

Eurofins Ntd Llc (ga)
Classification: Uncertain significance. Last evaluated: 2015-05-19. Review status: criteria provided, single submitter. Criteria: EGL Classification Definitions 2015. Collection method: clinical testing. Allele origin: germline. Observed: 1 variant allele, 1 heterozygote.

Laboratory for Molecular Medicine, Mass General Brigham Personalized Medicine
Classification: Likely benign. Last evaluated: 2014-01-30. Review status: criteria provided, single submitter. Criteria: LMM Criteria. Collection method: clinical testing. Allele origin: germline. Observed: 1 variant allele.
Comment: 849+7C>G in intron 8 of MYO7A: This variant is not expected to have clinical sig nificance because it is not located within the splice consensus sequence and is not predicted to alter splicing.

PreventionGenetics, part of Exact Sciences
Classification: Likely benign for MYO7A-related condition. Last evaluated: 2019-08-02. Review status: no assertion criteria provided. Collection method: clinical testing. Allele origin: germline. Not counted in ClinVar's aggregate classification.
Comment: This variant is classified as likely benign based on ACMG/AMP sequence variant interpretation guidelines (Richards et al. 2015 PMID: 25741868, with internal and published modifications).

NM_000260.4(MYO7A):c.849+7C>G

Gene: MYO7A (myosin VIIA; plus strand). Cytogenetic location: 11q13.5.
Variant type: single nucleotide variant.
Coding change: c.849+7C>G on transcript NM_000260.4 (MANE Select); 7 bases into the intron after coding-DNA position 849, C replaced by G.
Molecular consequence: intron variant.
Genome position (GRCh38, 1-based): chr11:77,157,399, C>G. VCF-style: chr11-77157399-C-G. GRCh37 (hg19) VCF-style: chr11-76868445-C-G.
Other names: c.816+7C>G (NM_001369365.1); c.849+7C>G (NM_001127180.2).
Identifiers: ClinVar variation 179521 (VCV000179521.22), dbSNP rs370740228, ClinGen allele CA184585.
Genomic context (GRCh38, chr11:77,157,399, plus strand): 5'-CAGAAGAAGAAGCTGGGCTTGGGCCAGGCCTCTGACTACAACTACTTGGCCATGGTGAGG[C>G]CCAGGTGGGCCCCTGGGTAGGGGGGCACCCACCCTAGGATTGTAGGGAGCTGGCTACTGC-3'